The following is an entry in ClinVar:

NM_003924.4(PHOX2B):c.714G>T (p.Lys238Asn)

Gene: PHOX2B (paired like homeobox 2B; minus strand). Cytogenetic location: 4p13.
Variant type: single nucleotide variant.
Coding change: c.714G>T on transcript NM_003924.4 (MANE Select); coding-DNA position 714, G replaced by T.
Protein change: p.Lys238Asn; replaces lysine 238 with asparagine.
Molecular consequence: missense variant.
Genome position (GRCh38, 1-based): chr4:41,746,038, C>A on the plus strand (G>T on the coding strand, the complement: PHOX2B is on the minus strand). VCF-style: chr4-41746038-C-A. GRCh37 (hg19) VCF-style: chr4-41748055-C-A.
Other names: short protein forms K238N.
Identifiers: ClinVar variation 577112 (VCV000577112.11), dbSNP rs1553897810, ClinGen allele CA356737294.

ClinVar aggregate classification (germline): Uncertain significance. Review status: criteria provided, multiple submitters, no conflicts (2 of 4 stars). 2 submissions from 2 submitters: Uncertain significance (2). Last evaluated 2023-12-14.

Conditions:
Hereditary cancer-predisposing syndrome. Also called: Tumor predisposition; Hereditary neoplastic syndrome; Hereditary Cancer Syndrome; Neoplastic Syndromes, Hereditary. Identifiers: Orphanet 140162, MedGen C0027672, MeSH D009386, MONDO:0015356.
Haddad syndrome (OHD). Also called: Ondine-Hirschsprung disease. Identifiers: Orphanet 99803, MedGen C1859049, MONDO:0020493.

Submissions (2):

Ambry Genetics
Classification: Uncertain significance for Hereditary cancer-predisposing syndrome. Last evaluated: 2023-12-14. Review status: criteria provided, single submitter. Criteria: Ambry Variant Classification Scheme 2023. Collection method: clinical testing. Allele origin: germline.
Comment: The p.K238N variant (also known as c.714G>T), located in coding exon 3 of the PHOX2B gene, results from a G to T substitution at nucleotide position 714. The lysine at codon 238 is replaced by asparagine, an amino acid with similar properties. This amino acid position is conserved. In addition, this alteration is predicted to be tolerated by in silico analysis. Since supporting evidence is limited at this time, the clinical significance of this alteration remains unclear.

Labcorp Genetics (formerly Invitae), Labcorp
Classification: Uncertain significance for Haddad syndrome. Last evaluated: 2022-06-20. Review status: criteria provided, single submitter. Criteria: Invitae Variant Classification Sherloc (09022015). Collection method: clinical testing. Allele origin: germline.
Comment: This variant has not been reported in the literature in individuals affected with PHOX2B-related conditions. In summary, the available evidence is currently insufficient to determine the role of this variant in disease. Therefore, it has been classified as a Variant of Uncertain Significance. Algorithms developed to predict the effect of missense changes on protein structure and function are either unavailable or do not agree on the potential impact of this missense change (SIFT: "Tolerated"; PolyPhen-2: "Not Available"; Align-GVGD: "Class C0"). ClinVar contains an entry for this variant (Variation ID: 577112). This variant is not present in population databases (gnomAD no frequency). This sequence change replaces lysine, which is basic and polar, with asparagine, which is neutral and polar, at codon 238 of the PHOX2B protein (p.Lys238Asn).